The following is an entry in ClinVar:

ClinVar aggregate classification (germline): Likely benign (1 of 4 stars; one submission).

Allele frequency attached by ClinVar (database versions not stated): ESP Exome Variant Server 0.00009; TOPMed 0.00049; 1000 Genomes Project 30x 0.00078; gnomAD exomes 0.00082 and 0.00220; 1000 Genomes Project 0.00100; gnomAD 0.00146 and 0.00149; ExAC 0.00166.
gnomAD v4.1: 1,422 of 1,606,688 alleles (0.089%); highest among the groups gnomAD compares: East Asian, 0.29%; 8 homozygotes.

Submission:

GeneDx
Classification: Likely benign. Last evaluated: 2018-06-16. Review status: criteria provided, single submitter. Criteria: GeneDx Variant Classification (06012015). Collection method: clinical testing. Allele origin: germline. Affected: yes.
Comment: This variant is considered likely benign or benign based on one or more of the following criteria: it is a conservative change, it occurs at a poorly conserved position in the protein, it is predicted to be benign by multiple in silico algorithms, and/or has population frequency not consistent with disease.

NM_001267550.2(TTN):c.67058-29C>G

Genes: TTN (titin; minus strand), TTN-AS1 (TTN antisense RNA 1; plus strand). Cytogenetic location: 2q31.2.
Variant type: single nucleotide variant.
Coding change: c.67058-29C>G on transcript NM_001267550.2 (MANE Select); 29 bases into the intron before coding-DNA position 67058, C replaced by G.
Molecular consequence: intron variant.
Genome position (GRCh38, 1-based): chr2:178,580,258, G>C on the plus strand (C>G on the coding strand, the complement: TTN is on the minus strand). VCF-style: chr2-178580258-G-C. GRCh37 (hg19) VCF-style: chr2-179444985-G-C.
Other names: c.39863-29C>G (NM_003319.4); c.40439-29C>G (NM_133437.4); c.40238-29C>G (NM_133432.3); c.59354-29C>G (NM_133378.4); c.62135-29C>G (NM_001256850.1).
Identifiers: ClinVar variation 676351 (VCV000676351.1), dbSNP rs146301651, ClinGen allele CA1991373.